The following is an entry in ClinVar:

NM_001231.5(CASQ1):c.87G>C (p.Lys29Asn)

Gene: CASQ1 (calsequestrin 1; plus strand). Cytogenetic location: 1q23.2.
Variant type: single nucleotide variant.
Coding change: c.87G>C on transcript NM_001231.5 (MANE Select); coding-DNA position 87, G replaced by C.
Protein change: p.Lys29Asn; replaces lysine 29 with asparagine.
Molecular consequence: missense variant.
Genome position (GRCh38, 1-based): chr1:160,190,838, G>C. VCF-style: chr1-160190838-G-C. GRCh37 (hg19) VCF-style: chr1-160160628-G-C.
Other names: short protein forms K29N.
Identifiers: ClinVar variation 2002076 (VCV002002076.5), dbSNP rs1198700769, ClinGen allele CA343249277.

ClinVar aggregate classification (germline): Uncertain significance. Review status: criteria provided, multiple submitters, no conflicts (2 of 4 stars). 2 submissions from 2 submitters: Uncertain significance (2). Last evaluated 2024-01-16.

Conditions:
Myopathy due to calsequestrin and SERCA1 protein overload. Also called: Myopathy, vacuolar, with casq1 aggregates. Identifiers: Orphanet 88635, MedGen C4015624, MONDO:0014546, OMIM 616231.

Submissions (2):

Revvity Omics, Revvity
Classification: Uncertain significance for Myopathy due to calsequestrin and SERCA1 protein overload. Last evaluated: 2024-01-16. Review status: criteria provided, single submitter. Criteria: ACMG Guidelines, 2015. Collection method: clinical testing. Allele origin: germline.

Labcorp Genetics (formerly Invitae), Labcorp
Classification: Uncertain significance. Last evaluated: 2022-06-10. Review status: criteria provided, single submitter. Criteria: Invitae Variant Classification Sherloc (09022015). Collection method: clinical testing. Allele origin: germline.
Comment: This variant is not present in population databases (gnomAD no frequency). This variant has not been reported in the literature in individuals affected with CASQ1-related conditions. In summary, the available evidence is currently insufficient to determine the role of this variant in disease. Therefore, it has been classified as a Variant of Uncertain Significance. Algorithms developed to predict the effect of missense changes on protein structure and function (SIFT, PolyPhen-2, Align-GVGD) all suggest that this variant is likely to be tolerated. This sequence change replaces lysine, which is basic and polar, with asparagine, which is neutral and polar, at codon 29 of the CASQ1 protein (p.Lys29Asn).